The following is an entry in ClinVar:

ClinVar aggregate classification (germline): Likely pathogenic. Review status: criteria provided, multiple submitters, no conflicts (2 of 4 stars). 2 submissions from 2 submitters: Likely pathogenic (2). Last evaluated 2025-10-29.

Conditions:
Acute infantile liver failure due to synthesis defect of mtDNA-encoded proteins. Also called: LIVER FAILURE, INFANTILE, TRANSIENT; TRMU Deficiency; Liver failure acute infantile. Identifiers: Orphanet 217371, MedGen C3278664, MONDO:0013111, OMIM 613070.

gnomAD v4.1: 7 of 1,613,916 alleles (0.00043%); highest among the groups gnomAD compares: South Asian, 0.0077%; no homozygotes.

Submissions (2):

Natera, Inc.
Classification: Likely pathogenic for Acute infantile liver failure due to synthesis defect of mtDNA-encoded proteins. Last evaluated: 2025-10-29. Review status: criteria provided, single submitter. Criteria: Natera Variant Classification Schema (03/2026). Collection method: clinical testing. Allele origin: germline.
Comment: The c.1099C>T variant in TRMU is a nonsense variant predicted to introduce a stop codon at amino acid 367. This variant is expected to result in nonsense mediated decay, truncation, or a dysfunctional protein product. This variant is rare in the general population with a frequency below the threshold expected for the associated phenotype(s). Given the available evidence, this variant is classified as Likely Pathogenic.

Women's Health and Genetics/Laboratory Corporation of America, LabCorp
Classification: Likely pathogenic for Acute infantile liver failure due to synthesis defect of mtDNA-encoded proteins. Last evaluated: 2023-03-30. Review status: criteria provided, single submitter. Criteria: LabCorp Variant Classification Summary - May 2015. Collection method: clinical testing. Allele origin: germline.
Comment: Variant summary: TRMU c.1099C>T (p.Gln367X) results in a premature termination codon, located in exon 10 (i.e. the penultimate exon), and results in a premature termination codon that is not expected to cause nonsense mediated decay (NMD), but is predicted to cause a truncation of the encoded protein, removing a large part of the 421 amino acid long protein, which affects the C-terminal domain (amino acid 303-383; IPR046885). This variant is also located close to the canonical splice-site, and 4/4 computational tools predict no significant impact on normal splicing. Although, these predictions have yet to be confirmed by functional studies. A splice variant downstream from our position is reported in a patient, who carried a pathogenic missense variant in trans, and RNA analysis indicated that this variant leads to a frameshift with an altered sequence in the last exon and a premature stop codon in ~50% of the transcripts (PMID 21931168). This report might indicate a clinical importance for the deleted protein region. The variant was absent in 251016 control chromosomes (gnomAD). To our knowledge, no occurrence of c.1099C>T in individuals affected with Liver Failure Acute Infantile, Transient and no experimental evidence demonstrating its impact on protein function have been reported. No clinical diagnostic laboratories have submitted clinical-significance assessments for this variant to ClinVar after 2014. Based on the evidence outlined above, the variant was classified as likely pathogenic.

NM_018006.5(TRMU):c.1099C>T (p.Gln367Ter)

Gene: TRMU (tRNA mitochondrial 2-thiouridylase; plus strand). Cytogenetic location: 22q13.31.
Variant type: single nucleotide variant.
Coding change: c.1099C>T on transcript NM_018006.5 (MANE Select); coding-DNA position 1099, C replaced by T.
Protein change: p.Gln367Ter; replaces glutamine 367 with a stop codon.
Molecular consequence: nonsense. On other transcripts: non-coding transcript variant (2), intron variant (2).
Genome position (GRCh38, 1-based): chr22:46,356,070, C>T. VCF-style: chr22-46356070-C-T. GRCh37 (hg19) VCF-style: chr22-46751967-C-T.
Other names: c.*543C>T (NM_001008568.2); c.*637C>T (NM_001008570.2); c.757C>T, p.Gln253Ter (NM_001282782.2); c.679C>T, p.Gln227Ter (NM_001282783.2); c.1018+482C>T (NM_001282785.2); c.598+482C>T (NM_001282784.2); short protein forms Q227*, Q253*, Q367*.
Identifiers: ClinVar variation 2501232 (VCV002501232.2), dbSNP rs749508862, ClinGen allele CA411916968.